The following is an entry in ClinVar:

NM_144687.4(NLRP12):c.3004G>C (p.Asp1002His)

Gene: NLRP12 (NLR family pyrin domain containing 12; minus strand). Cytogenetic location: 19q13.42.
Variant type: single nucleotide variant.
Coding change: c.3004G>C on transcript NM_144687.4 (MANE Select); coding-DNA position 3004, G replaced by C.
Protein change: p.Asp1002His; replaces aspartic acid 1002 with histidine.
Molecular consequence: missense variant.
Genome position (GRCh38, 1-based): chr19:53,795,953, C>G on the plus strand (G>C on the coding strand, the complement: NLRP12 is on the minus strand). VCF-style: chr19-53795953-C-G. GRCh37 (hg19) VCF-style: chr19-54299207-C-G.
Other names: c.3007G>C, p.Asp1003His (NM_001277126.2); c.2833G>C, p.Asp945His (NM_001277129.1); short protein forms D1002H, D1003H, D945H.
Identifiers: ClinVar variation 2419331 (VCV002419331.6), dbSNP rs144746100, ClinGen allele CA407407525.

ClinVar aggregate classification (germline): Uncertain significance (1 of 4 stars; one submission).

Conditions:
Familial cold autoinflammatory syndrome 2 (FCAS2). Identifiers: Orphanet 247868, MedGen C2673198, MONDO:0012724, OMIM 611762.

gnomAD v4.1: 2 of 1,614,000 alleles (0.00012%); highest among the groups gnomAD compares: Admixed American, 0.0017%; no homozygotes.

Submission:

Labcorp Genetics (formerly Invitae), Labcorp
Classification: Uncertain significance for Familial cold autoinflammatory syndrome 2. Last evaluated: 2023-08-17. Review status: criteria provided, single submitter. Criteria: Invitae Variant Classification Sherloc (09022015). Collection method: clinical testing. Allele origin: germline.
Comment: In summary, the available evidence is currently insufficient to determine the role of this variant in disease. Therefore, it has been classified as a Variant of Uncertain Significance. Experimental studies and prediction algorithms are not available or were not evaluated, and the functional significance of this variant is currently unknown. ClinVar contains an entry for this variant (Variation ID: 2419331). This variant has not been reported in the literature in individuals affected with NLRP12-related conditions. This variant is not present in population databases (gnomAD no frequency). This sequence change replaces aspartic acid, which is acidic and polar, with histidine, which is basic and polar, at codon 1002 of the NLRP12 protein (p.Asp1002His).